The following is an entry in ClinVar:

NM_005529.7(HSPG2):c.4592G>A (p.Arg1531His)

Gene: HSPG2 (heparan sulfate proteoglycan 2; minus strand). Cytogenetic location: 1p36.12.
Variant type: single nucleotide variant.
Coding change: c.4592G>A on transcript NM_005529.7 (MANE Select); coding-DNA position 4592, G replaced by A.
Protein change: p.Arg1531His; replaces arginine 1531 with histidine.
Molecular consequence: missense variant.
Genome position (GRCh38, 1-based): chr1:21,864,877, C>T on the plus strand (G>A on the coding strand, the complement: HSPG2 is on the minus strand). VCF-style: chr1-21864877-C-T. GRCh37 (hg19) VCF-style: chr1-22191370-C-T.
Other names: c.4595G>A, p.Arg1532His (NM_001291860.2); short protein forms R1531H, R1532H.
Identifiers: ClinVar variation 2638460 (VCV002638460.24), dbSNP rs553872815, ClinGen allele CA672221.
Genomic context (GRCh38, chr1:21,864,877, plus strand): 5'-GGTGGTGGAGCTGGCCACACACTCACCTGGCAGGACAGACCGATGTAGCCTGGCGGGCAG[C>T]GGCACTCCTCCACCTCGAGGGCGCGGGGTCTGTTTGAGGGCCCCGGCTGGGCGACCTCCA-3'
Protein context (NP_005520.4, residues 1521-1541): RPRALEVEEC[Arg1531His]CPPGYIGLSC

ClinVar aggregate classification (germline): Uncertain significance (1 of 4 stars; one submission).

Allele frequency attached by ClinVar (database versions not stated): TOPMed 0.00003; gnomAD 0.00005; 1000 Genomes Project 0.00020; 1000 Genomes Project 30x 0.00031.
gnomAD v4.1: 38 of 1,610,518 alleles (0.0024%); highest among the groups gnomAD compares: Middle Eastern, 0.066%; no homozygotes.

Submission:

CeGaT Center for Human Genetics Tuebingen
Classification: Uncertain significance. Last evaluated: 2023-03-01. Review status: criteria provided, single submitter. Criteria: CeGaT Center For Human Genetics Tuebingen Variant Classification Criteria Version 2. Collection method: clinical testing. Allele origin: germline. Affected: yes. Observed: 2 variant alleles.
Comment: HSPG2: PM2, BP4